The following is an entry in ClinVar:

NM_001098.3(ACO2):c.1139-222A>G

Gene: ACO2 (aconitase 2; plus strand). Cytogenetic location: 22q13.2.
Variant type: single nucleotide variant.
Coding change: c.1139-222A>G on transcript NM_001098.3 (MANE Select); 222 bases into the intron before coding-DNA position 1139, A replaced by G.
Molecular consequence: intron variant.
Genome position (GRCh38, 1-based): chr22:41,522,608, A>G. VCF-style: chr22-41522608-A-G. GRCh37 (hg19) VCF-style: chr22-41918612-A-G.
Identifiers: ClinVar variation 672851 (VCV000672851.1), dbSNP rs1960182, ClinGen allele CA324577816.

ClinVar aggregate classification (germline): Likely benign (1 of 4 stars; one submission).

Allele frequency attached by ClinVar (database versions not stated): 1000 Genomes Project 0.10603; gnomAD 0.01309 and 0.01864; TOPMed 0.02068; 1000 Genomes Project 30x 0.09806.
gnomAD v4.1: 2,819 of 152,288 alleles (1.9%); highest among the groups gnomAD compares: East Asian, 46%; 588 homozygotes.

Submission:

GeneDx
Classification: Likely benign. Last evaluated: 2018-06-16. Review status: criteria provided, single submitter. Criteria: GeneDx Variant Classification (06012015). Collection method: clinical testing. Allele origin: germline. Affected: yes.
Comment: This variant is considered likely benign or benign based on one or more of the following criteria: it is a conservative change, it occurs at a poorly conserved position in the protein, it is predicted to be benign by multiple in silico algorithms, and/or has population frequency not consistent with disease.